The following is an entry in ClinVar:

ClinVar aggregate classification (germline): Uncertain significance. Review status: criteria provided, multiple submitters, no conflicts (2 of 4 stars). 2 submissions from 2 submitters: Uncertain significance (2). Last evaluated 2025-02-17.

Allele frequency attached by ClinVar (database versions not stated): gnomAD exomes below 0.00001 and 0.00003; gnomAD 0.00001; TOPMed 0.00001; ExAC 0.00002.

Submissions (2):

Labcorp Genetics (formerly Invitae), Labcorp
Classification: Uncertain significance. Last evaluated: 2025-02-17. Review status: criteria provided, single submitter. Criteria: Invitae Variant Classification Sherloc (09022015). Collection method: clinical testing. Allele origin: germline.
Comment: This sequence change affects the initiator methionine of the IMPG1 mRNA. The next in-frame methionine is located at codon 51. This variant is present in population databases (rs763116403, gnomAD 0.01%). This variant has not been reported in the literature in individuals affected with IMPG1-related conditions. ClinVar contains an entry for this variant (Variation ID: 1047429). Experimental studies and prediction algorithms are not available or were not evaluated, and the functional significance of this variant is currently unknown. In summary, the available evidence is currently insufficient to determine the role of this variant in disease. Therefore, it has been classified as a Variant of Uncertain Significance.

Blueprint Genetics
Classification: Uncertain significance. Last evaluated: 2024-06-24. Review status: criteria provided, single submitter. Criteria: ACMG Guidelines, 2015. Collection method: clinical testing. Allele origin: germline.

NM_001563.4(IMPG1):c.3G>A (p.Met1Ile)

Gene: IMPG1 (interphotoreceptor matrix proteoglycan 1; minus strand). Cytogenetic location: 6q14.1.
Variant type: single nucleotide variant.
Coding change: c.3G>A on transcript NM_001563.4 (MANE Select); coding-DNA position 3, G replaced by A.
Protein change: p.Met1Ile; changes the start codon (methionine 1).
Molecular consequence: missense variant, initiator codon variant.
Genome position (GRCh38, 1-based): chr6:76,072,486, C>T on the plus strand (G>A on the coding strand, the complement: IMPG1 is on the minus strand). VCF-style: chr6-76072486-C-T. GRCh37 (hg19) VCF-style: chr6-76782203-C-T.
Other names: c.3G>A, p.Met1Ile (NM_001282368.2); short protein forms M1I.
Identifiers: ClinVar variation 1047429 (VCV001047429.10), dbSNP rs763116403, ClinGen allele CA3898682.